The following is an entry in ClinVar:

NM_001199267.2(DGKZ):c.742G>A (p.Ala248Thr)

Gene: DGKZ (diacylglycerol kinase zeta; plus strand). Cytogenetic location: 11p11.2.
Variant type: single nucleotide variant.
Coding change: c.742G>A on transcript NM_001199267.2 (MANE Select); coding-DNA position 742, G replaced by A.
Protein change: p.Ala248Thr; replaces alanine 248 with threonine.
Molecular consequence: missense variant.
Genome position (GRCh38, 1-based): chr11:46,371,589, G>A. VCF-style: chr11-46371589-G-A. GRCh37 (hg19) VCF-style: chr11-46393139-G-A.
Other names: c.1309G>A (NM_001105540.1); c.1309G>A, p.Ala437Thr (NM_001105540.2); c.745G>A, p.Ala249Thr (NM_001199266.2, NM_003646.4); c.676G>A, p.Ala226Thr (NM_001199268.2); c.793G>A, p.Ala265Thr (NM_201532.3); c.757G>A, p.Ala253Thr (NM_201533.3); short protein forms A226T, A265T, A437T, A249T, A253T, A248T.
Identifiers: ClinVar variation 1475936 (VCV001475936.7), dbSNP rs751415123, ClinGen allele CA5962582.
Genomic context (GRCh38, chr11:46,371,589, plus strand): 5'-GAGCCGTGCTCGCTGGGGGTCCACGCAGCCGTGGTCATCCCGCCCACCTGGATCCTCCGC[G>A]CCCGGAGGCCCCAGGTGAGTACTGCCTGCACCCTTGATGCCCCGTACGCACTTGGGGTCT-3'
Protein context (NP_001186196.1, residues 238-258): VVIPPTWILR[Ala248Thr]RRPQNTLKAS

ClinVar aggregate classification (germline): Uncertain significance. Review status: criteria provided, multiple submitters, no conflicts (2 of 4 stars). 2 submissions from 2 submitters: Uncertain significance (2). Last evaluated 2025-08-30.

Allele frequency attached by ClinVar (database versions not stated): gnomAD 0.00001; gnomAD exomes 0.00002; ExAC 0.00003; TOPMed 0.00003.
gnomAD v4.1: 14 of 1,610,300 alleles (0.00087%); highest among the groups gnomAD compares: Admixed American, 0.005%; no homozygotes.

Submissions (2):

Ambry Genetics
Classification: Uncertain significance. Last evaluated: 2025-08-30. Review status: criteria provided, single submitter. Criteria: Ambry Variant Classification Scheme 2023. Collection method: clinical testing. Allele origin: germline.

Labcorp Genetics (formerly Invitae), Labcorp
Classification: Uncertain significance. Last evaluated: 2021-11-23. Review status: criteria provided, single submitter. Criteria: Invitae Variant Classification Sherloc (09022015). Collection method: clinical testing. Allele origin: germline.
Comment: In summary, the available evidence is currently insufficient to determine the role of this variant in disease. Therefore, it has been classified as a Variant of Uncertain Significance. Algorithms developed to predict the effect of missense changes on protein structure and function (SIFT, PolyPhen-2, Align-GVGD) all suggest that this variant is likely to be tolerated. This variant has not been reported in the literature in individuals affected with DGKZ-related conditions. This variant is present in population databases (rs751415123, gnomAD 0.009%). This sequence change replaces alanine, which is neutral and non-polar, with threonine, which is neutral and polar, at codon 437 of the DGKZ protein (p.Ala437Thr).